The following is an entry in ClinVar:

NM_001145308.5(LRTOMT):c.-288G>A

Genes: LRRC51 (leucine rich repeat containing 51; plus strand), LRTOMT (leucine rich transmembrane and O-methyltransferase domain containing; plus strand). Cytogenetic location: 11q13.4.
Variant type: single nucleotide variant.
Coding change: c.-288G>A on transcript NM_001145308.5; 288 bases upstream of the start codon, G replaced by A.
Molecular consequence: 5 prime UTR variant. On other transcripts: missense variant (5), non-coding transcript variant (2).
Genome position (GRCh38, 1-based): chr11:72,093,529, G>A. VCF-style: chr11-72093529-G-A. GRCh37 (hg19) VCF-style: chr11-71804575-G-A.
Other names: c.116G>A, p.Arg39Gln (NM_001145307.5, NM_001271471.3, NM_001318803.2 and 1 more transcripts); c.62G>A, p.Arg21Gln (NM_001205138.4); c.-288G>A (NM_001145309.4, NM_001145310.4); short protein forms R21Q, R39Q.
Identifiers: ClinVar variation 1305224 (VCV001305224.2), dbSNP rs545885523, ClinGen allele CA6168156.

ClinVar aggregate classification (germline): Uncertain significance (1 of 4 stars; one submission).

Allele frequency attached by ClinVar (database versions not stated): gnomAD exomes 0.00002; TOPMed 0.00002; ExAC 0.00003; gnomAD 0.00004; 1000 Genomes Project 0.00020; 1000 Genomes Project 30x 0.00031.
gnomAD v4.1: 29 of 1,614,024 alleles (0.0018%); highest among the groups gnomAD compares: Middle Eastern, 0.017%; no homozygotes.

Submission:

GeneDx
Classification: Uncertain significance. Last evaluated: 2019-04-24. Review status: criteria provided, single submitter. Criteria: GeneDx Variant Classification Process June 2021. Collection method: clinical testing. Allele origin: germline. Affected: yes.
Comment: In silico analysis, which includes protein predictors and evolutionary conservation, supports that this variant does not alter protein structure/function; Has not been previously published as pathogenic or benign to our knowledge